The following is an entry in ClinVar:

NM_016169.4(SUFU):c.255C>T (p.Pro85=)

Gene: SUFU (SUFU negative regulator of hedgehog signaling; plus strand). Cytogenetic location: 10q24.32.
Variant type: single nucleotide variant.
Coding change: c.255C>T on transcript NM_016169.4 (MANE Select); coding-DNA position 255, C replaced by T.
Protein change: p.Pro85=; no amino-acid change (proline 85 retained).
Molecular consequence: synonymous variant.
Genome position (GRCh38, 1-based): chr10:102,509,241, C>T. VCF-style: chr10-102509241-C-T. GRCh37 (hg19) VCF-style: chr10-104268998-C-T.
Other names: c.255C>T, p.Pro85= (NM_001178133.2).
Identifiers: ClinVar variation 524675 (VCV000524675.42), dbSNP rs113671745, ClinGen allele CA5667638.

ClinVar aggregate classification (germline): Benign/Likely benign. Review status: criteria provided, multiple submitters, no conflicts (2 of 4 stars). 5 submissions from 5 submitters: Benign (1); Likely benign (4). Last evaluated 2026-01-12.

Conditions:
Gorlin syndrome. Also called: Nevoid Basal Cell Carcinoma Syndrome; Basal cell nevus syndrome. Identifiers: Orphanet 377, MedGen C0004779, MONDO:0007187.
Medulloblastoma (MDB). Also called: Medulloblastoma, somatic; MEDULLOBLASTOMA PREDISPOSITION SYNDROME. Identifiers: Orphanet 616, MedGen C0025149, MeSH D008527, MONDO:0007959, OMIM 155255, HP:0002885.
Hereditary cancer-predisposing syndrome. Also called: Neoplastic Syndromes, Hereditary; Hereditary Cancer Syndrome; Tumor predisposition; Hereditary neoplastic syndrome. Identifiers: Orphanet 140162, MedGen C0027672, MeSH D009386, MONDO:0015356.

Allele frequency attached by ClinVar (database versions not stated): gnomAD exomes 0.00004; ExAC 0.00011; 1000 Genomes Project 30x 0.00016; gnomAD 0.00016 and 0.00017; 1000 Genomes Project 0.00020; TOPMed 0.00020.
gnomAD v4.1: 84 of 1,614,180 alleles (0.0052%); highest among the groups gnomAD compares: Middle Eastern, 0.049%; no homozygotes.

Submissions (5):

Labcorp Genetics (formerly Invitae), Labcorp
Classification: Likely benign for Gorlin syndrome; Medulloblastoma. Last evaluated: 2026-01-12. Review status: criteria provided, single submitter. Criteria: Invitae Variant Classification Sherloc (09022015). Collection method: clinical testing. Allele origin: germline.

Blueprint Genetics
Classification: Likely benign. Last evaluated: 2024-07-25. Review status: criteria provided, single submitter. Criteria: ACMG Guidelines, 2015. Collection method: clinical testing. Allele origin: germline.

CeGaT Center for Human Genetics Tuebingen
Classification: Likely benign. Last evaluated: 2023-08-01. Review status: criteria provided, single submitter. Criteria: CeGaT Center For Human Genetics Tuebingen Variant Classification Criteria Version 2. Collection method: clinical testing. Allele origin: germline. Affected: yes. Observed: 1 variant allele.
Comment: SUFU: BP4, BP7

Quest Diagnostics Nichols Institute San Juan Capistrano
Classification: Benign. Last evaluated: 2023-02-13. Review status: criteria provided, single submitter. Criteria: Quest Diagnostics criteria. Collection method: clinical testing. Allele origin: unknown.

Ambry Genetics
Classification: Likely benign for Hereditary cancer-predisposing syndrome. Last evaluated: 2017-12-06. Review status: criteria provided, single submitter. Criteria: Ambry Variant Classification Scheme 2023. Collection method: clinical testing. Allele origin: germline.